The following is an entry in ClinVar:

ClinVar aggregate classification (germline): Uncertain significance. Review status: criteria provided, multiple submitters, no conflicts (2 of 4 stars). 2 submissions from 2 submitters: Uncertain significance (2). Last evaluated 2024-08-22.

Conditions:
Hereditary cancer-predisposing syndrome. Also called: Neoplastic Syndromes, Hereditary; Hereditary Cancer Syndrome; Tumor predisposition; Hereditary neoplastic syndrome. Identifiers: Orphanet 140162, MedGen C0027672, MeSH D009386, MONDO:0015356.
Gorlin syndrome. Also called: Basal cell nevus syndrome; Nevoid Basal Cell Carcinoma Syndrome. Identifiers: Orphanet 377, MedGen C0004779, MONDO:0007187.
Medulloblastoma (MDB). Also called: Medulloblastoma, somatic; MEDULLOBLASTOMA PREDISPOSITION SYNDROME. Identifiers: Orphanet 616, MedGen C0025149, MeSH D008527, MONDO:0007959, OMIM 155255, HP:0002885.

Allele frequency attached by ClinVar (database versions not stated): gnomAD exomes below 0.00001; TOPMed below 0.00001.

Submissions (2):

Labcorp Genetics (formerly Invitae), Labcorp
Classification: Uncertain significance for Gorlin syndrome; Medulloblastoma. Last evaluated: 2024-08-22. Review status: criteria provided, single submitter. Criteria: Invitae Variant Classification Sherloc (09022015). Collection method: clinical testing. Allele origin: germline.
Comment: This sequence change replaces proline, which is neutral and non-polar, with serine, which is neutral and polar, at codon 459 of the SUFU protein (p.Pro459Ser). This variant is not present in population databases (gnomAD no frequency). This variant has not been reported in the literature in individuals affected with SUFU-related conditions. ClinVar contains an entry for this variant (Variation ID: 1035927). Invitae Evidence Modeling of protein sequence and biophysical properties (such as structural, functional, and spatial information, amino acid conservation, physicochemical variation, residue mobility, and thermodynamic stability) indicates that this missense variant is not expected to disrupt SUFU protein function with a negative predictive value of 80%. In summary, the available evidence is currently insufficient to determine the role of this variant in disease. Therefore, it has been classified as a Variant of Uncertain Significance.

Ambry Genetics
Classification: Uncertain significance for Hereditary cancer-predisposing syndrome. Last evaluated: 2024-05-24. Review status: criteria provided, single submitter. Criteria: Ambry Variant Classification Scheme 2023. Collection method: clinical testing. Allele origin: germline.
Comment: The p.P459S variant (also known as c.1375C>T), located in coding exon 12 of the SUFU gene, results from a C to T substitution at nucleotide position 1375. The proline at codon 459 is replaced by serine, an amino acid with similar properties. This amino acid position is highly conserved in available vertebrate species. In addition, the in silico prediction for this alteration is inconclusive. Since supporting evidence is limited at this time, the clinical significance of this alteration remains unclear.

NM_016169.4(SUFU):c.1375C>T (p.Pro459Ser)

Gene: SUFU (SUFU negative regulator of hedgehog signaling; plus strand). Cytogenetic location: 10q24.32.
Variant type: single nucleotide variant.
Coding change: c.1375C>T on transcript NM_016169.4 (MANE Select); coding-DNA position 1375, C replaced by T.
Protein change: p.Pro459Ser; replaces proline 459 with serine.
Molecular consequence: missense variant.
Genome position (GRCh38, 1-based): chr10:102,630,075, C>T. VCF-style: chr10-102630075-C-T. GRCh37 (hg19) VCF-style: chr10-104389832-C-T.
Other names: short protein forms P459S.
Identifiers: ClinVar variation 1035927 (VCV001035927.12), dbSNP rs2063824067, ClinGen allele CA377920480.